The following is an entry in ClinVar:

ClinVar aggregate classification (germline): Uncertain significance (1 of 4 stars; one submission).

Allele frequency attached by ClinVar (database versions not stated): gnomAD exomes below 0.00001; ExAC 0.00001; gnomAD 0.00001.
gnomAD v4.1: 3 of 1,613,022 alleles (0.00019%); highest among the groups gnomAD compares: Admixed American, 0.0017%; no homozygotes.

Submission:

Labcorp Genetics (formerly Invitae), Labcorp
Classification: Uncertain significance. Last evaluated: 2025-10-21. Review status: criteria provided, single submitter. Criteria: Invitae Variant Classification Sherloc (09022015). Collection method: clinical testing. Allele origin: germline.
Comment: This sequence change replaces serine, which is neutral and polar, with cysteine, which is neutral and slightly polar, at codon 5 of the CCT2 protein (p.Ser5Cys). This variant is present in population databases (rs766123831, gnomAD 0.0009%). This variant has not been reported in the literature in individuals affected with CCT2-related conditions. ClinVar contains an entry for this variant (Variation ID: 1498222). An algorithm developed to predict the effect of missense changes on protein structure and function (PolyPhen-2) suggests that this variant is likely to be disruptive. In summary, the available evidence is currently insufficient to determine the role of this variant in disease. Therefore, it has been classified as a Variant of Uncertain Significance.

NM_006431.3(CCT2):c.14C>G (p.Ser5Cys)

Gene: CCT2 (chaperonin containing TCP1 subunit 2; plus strand). Cytogenetic location: 12q15.
Variant type: single nucleotide variant.
Coding change: c.14C>G on transcript NM_006431.3 (MANE Select); coding-DNA position 14, C replaced by G.
Protein change: p.Ser5Cys; replaces serine 5 with cysteine.
Molecular consequence: missense variant. On other transcripts: 5 prime UTR variant (1).
Genome position (GRCh38, 1-based): chr12:69,586,280, C>G. VCF-style: chr12-69586280-C-G. GRCh37 (hg19) VCF-style: chr12-69980060-C-G.
Other names: c.-128C>G (NM_001198842.2); short protein forms S5C.
Identifiers: ClinVar variation 1498222 (VCV001498222.6), dbSNP rs766123831, ClinGen allele CA6680426.